The following is an entry in ClinVar:

NM_014639.4(SKIC3):c.2145C>A (p.Cys715Ter)

Gene: SKIC3 (SKI3 subunit of superkiller complex; minus strand). Cytogenetic location: 5q15.
Variant type: single nucleotide variant.
Coding change: c.2145C>A on transcript NM_014639.4 (MANE Select); coding-DNA position 2145, C replaced by A.
Protein change: p.Cys715Ter; replaces cysteine 715 with a stop codon.
Molecular consequence: nonsense.
Genome position (GRCh38, 1-based): chr5:95,517,292, G>T on the plus strand (C>A on the coding strand, the complement: SKIC3 is on the minus strand). VCF-style: chr5-95517292-G-T. GRCh37 (hg19) VCF-style: chr5-94852996-G-T.
Other names: short protein forms C715*.
Identifiers: ClinVar variation 4845935 (VCV004845935.1).

ClinVar aggregate classification (germline): Likely pathogenic (1 of 4 stars; one submission).

Conditions:
Trichohepatoenteric syndrome 1 (THES1). Also called: DIARRHEA, FATAL INFANTILE, WITH TRICHORRHEXIS NODOSA. Identifiers: Orphanet 84064, MedGen C4551982, MONDO:0024541, OMIM 222470.

gnomAD v4.1: 4 of 1,613,148 alleles (0.00025%); highest among the groups gnomAD compares: South Asian, 0.0022%; no homozygotes.

Submission:

First Genomix Gene Laboratory, Genetic Diagnostics Department
Classification: Likely pathogenic for Trichohepatoenteric syndrome 1. Last evaluated: 2025-04-30. Review status: criteria provided, single submitter. Criteria: ACMG Guidelines, 2015. Collection method: clinical testing. Allele origin: germline. Inheritance: Autosomal recessive inheritance. Affected: no. Observed: 1 variant allele.